The following is an entry in ClinVar:

NM_007215.4(POLG2):c.666G>C (p.Lys222Asn)

Genes: MILR1 (mast cell immunoglobulin like receptor 1; plus strand), POLG2 (DNA polymerase gamma 2, accessory subunit; minus strand). Cytogenetic location: 17q23.3.
Variant type: single nucleotide variant.
Coding change: c.666G>C on transcript NM_007215.4 (MANE Select); coding-DNA position 666, G replaced by C.
Protein change: p.Lys222Asn; replaces lysine 222 with asparagine.
Molecular consequence: missense variant.
Genome position (GRCh38, 1-based): chr17:64,492,918, C>G on the plus strand (G>C on the coding strand, the complement: POLG2 is on the minus strand). VCF-style: chr17-64492918-C-G. GRCh37 (hg19) VCF-style: chr17-62489035-C-G.
Other names: short protein forms K222N.
Identifiers: ClinVar variation 4734893 (VCV004734893.1).

ClinVar aggregate classification (germline): Uncertain significance (1 of 4 stars; one submission).

Submission:

Labcorp Genetics (formerly Invitae), Labcorp
Classification: Uncertain significance. Last evaluated: 2026-01-17. Review status: criteria provided, single submitter. Criteria: Invitae Variant Classification Sherloc (09022015). Collection method: clinical testing. Allele origin: germline.
Comment: This sequence change replaces lysine, which is basic and polar, with asparagine, which is neutral and polar, at codon 222 of the POLG2 protein (p.Lys222Asn). This variant is not present in population databases (gnomAD no frequency). This variant has not been reported in the literature in individuals affected with POLG2-related conditions. An algorithm developed to predict the effect of missense changes on protein structure and function outputs the following: PolyPhen-2: "Benign". The asparagine amino acid residue is found in multiple mammalian species, which suggests that this missense change does not adversely affect protein function. In summary, the available evidence is currently insufficient to determine the role of this variant in disease. Therefore, it has been classified as a Variant of Uncertain Significance.